The following is an entry in ClinVar:

ClinVar aggregate classification (germline): Pathogenic (1 of 4 stars; one submission).

Submission:

GeneDx
Classification: Pathogenic. Last evaluated: 2019-11-27. Review status: criteria provided, single submitter. Criteria: GeneDx Variant Classification Process June 2021. Collection method: clinical testing. Allele origin: germline. Affected: yes.
Comment: Frameshift variant predicted to result in protein truncation or nonsense mediated decay in a gene for which loss-of-function is a known mechanism of disease; Not observed in large population cohorts (Lek et al., 2016); Has not been previously published as pathogenic or benign to our knowledge

NM_001170629.2(CHD8):c.1566del (p.Gly523fs)

Gene: CHD8 (chromodomain helicase DNA binding protein 8; minus strand). Cytogenetic location: 14q11.2.
Variant type: Deletion.
Coding change: c.1566del on transcript NM_001170629.2 (MANE Select); coding-DNA position 1566, one base deleted (T; older notation c.1566delT).
Protein change: p.Gly523fs; shifts the reading frame from glycine 523.
Molecular consequence: frameshift variant.
Genome position (GRCh38, 1-based): chr14:21,427,904, A deleted on the plus strand (T on the coding strand, the reverse complement: CHD8 is on the minus strand). VCF-style (leftmost placement, unchanged base first): chr14-21427903-CA-C. GRCh37 (hg19) VCF-style: chr14-21896062-CA-C.
Other names: c.1566delT (NM_001170629.1); c.729del, p.Gly244fs (NM_020920.4); short protein forms G523fs, G244fs.
Identifiers: ClinVar variation 504281 (VCV000504281.3), dbSNP rs1555318001, ClinGen allele CA658798167.
Genomic context (GRCh38, chr14:21,427,903, plus strand): 5'-CCATCACAGTAGCAAGGAGTACTCACTTGAGCTTGCTCTTGCCCTTTGTTTTGGAGGCAC[CA>C]GATGTTTTACTCTTCTTTGGCTTCTCCTCTTTCAGCCTCTCCCCAGCACTCTTCTTCCTG-3'